The following is an entry in ClinVar:

ClinVar aggregate classification (germline): Uncertain significance (1 of 4 stars; one submission).

Conditions:
Inborn genetic diseases. Identifiers: MedGen C0950123, MeSH D030342.

Allele frequency attached by ClinVar (database versions not stated): gnomAD 0.00001; ExAC 0.00002; gnomAD exomes 0.00003; TOPMed 0.00003.
gnomAD v4.1: 30 of 1,209,394 alleles (0.0025%); highest among the groups gnomAD compares: Non-Finnish European, 0.0034%; no homozygotes.

Submission:

Ambry Genetics
Classification: Uncertain significance for Inborn genetic diseases. Last evaluated: 2017-12-28. Review status: criteria provided, single submitter. Criteria: Ambry Variant Classification Scheme 2023. Collection method: clinical testing. Allele origin: germline.
Comment: The p.L1073F variant (also known as c.3217C>T), located in coding exon 6 of the NHS gene, results from a C to T substitution at nucleotide position 3217. The leucine at codon 1073 is replaced by phenylalanine, an amino acid with highly similar properties. This amino acid position is highly conserved in available vertebrate species. In addition, the in silico prediction for this alteration is inconclusive. Since supporting evidence is limited at this time, the clinical significance of this alteration remains unclear.

NM_001291867.2(NHS):c.3280C>T (p.Leu1094Phe)

Gene: NHS (NHS actin remodeling regulator; plus strand). Cytogenetic location: Xp22.13.
Variant type: single nucleotide variant.
Coding change: c.3280C>T on transcript NM_001291867.2 (MANE Select); coding-DNA position 3280, C replaced by T.
Protein change: p.Leu1094Phe; replaces leucine 1094 with phenylalanine.
Molecular consequence: missense variant.
Genome position (GRCh38, 1-based): chrX:17,727,386, C>T. VCF-style: chrX-17727386-C-T. GRCh37 (hg19) VCF-style: chrX-17745506-C-T.
Other names: c.2749C>T, p.Leu917Phe (NM_001136024.4); c.2686C>T, p.Leu896Phe (NM_001291868.2); c.3217C>T, p.Leu1073Phe (NM_198270.4); short protein forms L1094F, L1073F, L896F, L917F.
Identifiers: ClinVar variation 1729003 (VCV001729003.2), dbSNP rs754407699, ClinGen allele CA10358809.